The following is an entry in ClinVar:

ClinVar aggregate classification (germline): Uncertain significance. Review status: criteria provided, multiple submitters, no conflicts (2 of 4 stars). 2 submissions from 2 submitters: Uncertain significance (2). Last evaluated 2025-10-18.

Conditions:
Inborn genetic diseases. Identifiers: MedGen C0950123, MeSH D030342.

Allele frequency attached by ClinVar (database versions not stated): 1000 Genomes Project 30x 0.00016; 1000 Genomes Project 0.00020.
gnomAD v4.1: 9 of 1,130,174 alleles (0.0008%); highest among the groups gnomAD compares: East Asian, 0.042%; no homozygotes.

Submissions (2):

Labcorp Genetics (formerly Invitae), Labcorp
Classification: Uncertain significance. Last evaluated: 2025-10-18. Review status: criteria provided, single submitter. Criteria: Invitae Variant Classification Sherloc (09022015). Collection method: clinical testing. Allele origin: germline.
Comment: This sequence change replaces valine, which is neutral and non-polar, with leucine, which is neutral and non-polar, at codon 542 of the COL9A2 protein (p.Val542Leu). This variant is present in population databases (rs573879844, gnomAD 0.02%). This variant has not been reported in the literature in individuals affected with COL9A2-related conditions. ClinVar contains an entry for this variant (Variation ID: 1966932). Invitae Evidence Modeling of protein sequence and biophysical properties (such as structural, functional, and spatial information, amino acid conservation, physicochemical variation, residue mobility, and thermodynamic stability) indicates that this missense variant is not expected to disrupt COL9A2 protein function with a negative predictive value of 95%. In summary, the available evidence is currently insufficient to determine the role of this variant in disease. Therefore, it has been classified as a Variant of Uncertain Significance.

Ambry Genetics
Classification: Uncertain significance for Inborn genetic diseases. Last evaluated: 2025-05-18. Review status: criteria provided, single submitter. Criteria: Ambry Variant Classification Scheme 2023. Collection method: clinical testing. Allele origin: germline.

NM_001852.4(COL9A2):c.1624G>C (p.Val542Leu)

Gene: COL9A2 (collagen type IX alpha 2 chain; minus strand). Cytogenetic location: 1p34.2.
Variant type: single nucleotide variant.
Coding change: c.1624G>C on transcript NM_001852.4 (MANE Select); coding-DNA position 1624, G replaced by C.
Protein change: p.Val542Leu; replaces valine 542 with leucine.
Molecular consequence: missense variant.
Genome position (GRCh38, 1-based): chr1:40,302,789, C>G on the plus strand (G>C on the coding strand, the complement: COL9A2 is on the minus strand). VCF-style: chr1-40302789-C-G. GRCh37 (hg19) VCF-style: chr1-40768461-C-G.
Other names: c.1624G>C (NM_001852.3); short protein forms V542L.
Identifiers: ClinVar variation 1966932 (VCV001966932.6), dbSNP rs573879844, ClinGen allele CA21041193.